The following is an entry in ClinVar:

NM_002485.5(NBN):c.1117G>A (p.Asp373Asn)

Gene: NBN (nibrin; minus strand). Cytogenetic location: 8q21.3.
Variant type: single nucleotide variant.
Coding change: c.1117G>A on transcript NM_002485.5 (MANE Select); coding-DNA position 1117, G replaced by A.
Protein change: p.Asp373Asn; replaces aspartic acid 373 with asparagine.
Molecular consequence: missense variant.
Genome position (GRCh38, 1-based): chr8:89,958,732, C>T on the plus strand (G>A on the coding strand, the complement: NBN is on the minus strand). VCF-style: chr8-89958732-C-T. GRCh37 (hg19) VCF-style: chr8-90970960-C-T.
Other names: c.871G>A, p.Asp291Asn (NM_001024688.3); short protein forms D291N, D373N.
Identifiers: ClinVar variation 3222401 (VCV003222401.1), dbSNP rs2129744437, ClinGen allele CA371656574.
Genomic context (GRCh38, chr8:89,958,732, plus strand): 5'-TATTAATTTATTGATAGAATAATAACAATAGTACGGTAATGAAGAAGCTTTACCATGTAT[C>T]TGCTTGCTCTGATTCTGTGTCAGCTACGTATGTTGTAGTGTTCACTGGGGCGCTTGGCAT-3'
Protein context (NP_002476.2, residues 363-383): YVADTESEQA[Asp373Asn]TWDLSERPKE

ClinVar aggregate classification (germline): Uncertain significance (1 of 4 stars; one submission).

Conditions:
Hereditary cancer-predisposing syndrome. Also called: Tumor predisposition; Hereditary neoplastic syndrome; Hereditary Cancer Syndrome; Neoplastic Syndromes, Hereditary. Identifiers: Orphanet 140162, MedGen C0027672, MeSH D009386, MONDO:0015356.

Submission:

Ambry Genetics
Classification: Uncertain significance for Hereditary cancer-predisposing syndrome. Last evaluated: 2023-11-17. Review status: criteria provided, single submitter. Criteria: Ambry Variant Classification Scheme 2023. Collection method: clinical testing. Allele origin: germline.
Comment: The p.D373N variant (also known as c.1117G>A), located in coding exon 9 of the NBN gene, results from a G to A substitution at nucleotide position 1117. The aspartic acid at codon 373 is replaced by asparagine, an amino acid with highly similar properties. This amino acid position is conserved. In addition, this alteration is predicted to be tolerated by in silico analysis. Since supporting evidence is limited at this time, the clinical significance of this alteration remains unclear.